The following is an entry in ClinVar:

ClinVar aggregate classification (germline): Uncertain significance (1 of 4 stars; one submission).

Conditions:
CASR-related disorder. Also called: CASR-related condition.

Submission:

PreventionGenetics, part of Exact Sciences
Classification: Uncertain significance for CASR-related condition. Last evaluated: 2025-01-24. Review status: criteria provided, single submitter. Criteria: ACMG Guidelines, 2015. Collection method: clinical testing. Allele origin: germline.
Comment: The CASR c.2552T>A variant is predicted to result in the amino acid substitution p.Ile851Asn. To our knowledge, this variant has not been reported in the literature or in a large population database (gnomAD), indicating this variant is rare. At this time, the clinical significance of this variant is uncertain due to the absence of conclusive functional and genetic evidence.

NM_000388.4(CASR):c.2522T>A (p.Ile841Asn)

Gene: CASR (calcium sensing receptor; plus strand). Cytogenetic location: 3q21.1.
Variant type: single nucleotide variant.
Coding change: c.2522T>A on transcript NM_000388.4 (MANE Select); coding-DNA position 2522, T replaced by A.
Protein change: p.Ile841Asn; replaces isoleucine 841 with asparagine.
Molecular consequence: missense variant.
Genome position (GRCh38, 1-based): chr3:122,284,476, T>A. VCF-style: chr3-122284476-T-A. GRCh37 (hg19) VCF-style: chr3-122003323-T-A.
Other names: c.2552T>A, p.Ile851Asn (NM_001178065.2); short protein forms I841N, I851N.
Identifiers: ClinVar variation 5001841 (VCV005001841.1).